The following is an entry in ClinVar:

ClinVar aggregate classification (germline): Pathogenic. Review status: criteria provided, multiple submitters, no conflicts (2 of 4 stars). 2 submissions from 2 submitters: Pathogenic (2). Last evaluated 2025-07-17.

Conditions:
Familial thoracic aortic aneurysm and aortic dissection (TAAD). Also called: Thoracic aortic aneurysms and dissections. Identifiers: Orphanet 91387, MedGen C4707243, MONDO:0019625.
Loeys-Dietz syndrome 4 (LDS4). Also called: ANEURYSM, AORTIC AND CEREBRAL, WITH ARTERIAL TORTUOSITY AND SKELETAL MANIFESTATIONS; TGFB2-Related Loeys-Dietz Syndrome. Identifiers: MedGen C3553762, MONDO:0013897, OMIM 614816.

Submissions (2):

Ambry Genetics
Classification: Pathogenic for Familial thoracic aortic aneurysm and aortic dissection. Last evaluated: 2025-07-17. Review status: criteria provided, single submitter. Criteria: Ambry Variant Classification Scheme 2023. Collection method: clinical testing. Allele origin: germline.
Comment: The p.Y99* pathogenic mutation (also known as c.297C>G), located in coding exon 1 of the TGFB2 gene, results from a C to G substitution at nucleotide position 297. This changes the amino acid from a tyrosine to a stop codon within coding exon 1. This variant was reported in individual(s) with features consistent with TGFB2-related thoracic aortic aneurysm and dissection (TAAD) (Lindsay ME et al. Nat Genet, 2012 Jul;44:922-7; Ambry internal data). This variant is considered to be rare based on population cohorts in the Genome Aggregation Database (gnomAD). This alteration is expected to result in loss of function by premature protein truncation or nonsense-mediated mRNA decay. As such, this alteration is interpreted as a disease-causing mutation.

Labcorp Genetics (formerly Invitae), Labcorp
Classification: Pathogenic for Loeys-Dietz syndrome 4. Last evaluated: 2019-03-22. Review status: criteria provided, single submitter. Criteria: Invitae Variant Classification Sherloc (09022015). Collection method: clinical testing. Allele origin: germline.
Comment: This variant is not present in population databases (ExAC no frequency). This sequence change creates a premature translational stop signal (p.Tyr99*) in the TGFB2 gene. It is expected to result in an absent or disrupted protein product. This variant has been observed in an individual with a TGFB2-related condition (PMID: 22772368). Loss-of-function variants in TGFB2 are known to be pathogenic (PMID: 22772368, 22772371). For these reasons, this variant has been classified as Pathogenic.

Literature cited by the submitters: PubMed 22772368 (cited by Ambry Genetics and Labcorp Genetics (formerly Invitae), Labcorp); PubMed 22772371 (cited by Labcorp Genetics (formerly Invitae), Labcorp).

NM_003238.6(TGFB2):c.297C>G (p.Tyr99Ter)

Gene: TGFB2 (transforming growth factor beta 2; plus strand). Cytogenetic location: 1q41.
Variant type: single nucleotide variant.
Coding change: c.297C>G on transcript NM_003238.6 (MANE Select); coding-DNA position 297, C replaced by G.
Protein change: p.Tyr99Ter; replaces tyrosine 99 with a stop codon.
Molecular consequence: nonsense. On other transcripts: non-coding transcript variant (2).
Genome position (GRCh38, 1-based): chr1:218,346,998, C>G. VCF-style: chr1-218346998-C-G. GRCh37 (hg19) VCF-style: chr1-218520340-C-G.
Other names: c.297C>G, p.Tyr99Ter (NM_001135599.4); short protein forms Y99*.
Identifiers: ClinVar variation 837843 (VCV000837843.13), dbSNP rs760759052, ClinGen allele CA344725724.
Genomic context (GRCh38, chr1:218,346,998, plus strand): 5'-GGAGAAGGCGAGCCGGAGGGCGGCCGCCTGCGAGCGCGAGAGGAGCGACGAAGAGTACTA[C>G]GCCAAGGAGGTTTACAAAATAGACATGCCGCCCTTCTTCCCCTCCGAAAGTAAGTACTTA-3'